The following is an entry in ClinVar:

NM_005245.4(FAT1):c.8878+8A>G

Genes: FAT1 (FAT atypical cadherin 1; minus strand), LOC126807255 (BRD4-independent group 4 enhancer GRCh37_chr4:187538202-187539401; plus strand). Cytogenetic location: 4q35.2.
Variant type: single nucleotide variant.
Coding change: c.8878+8A>G on transcript NM_005245.4 (MANE Select); 8 bases into the intron after coding-DNA position 8878, A replaced by G.
Molecular consequence: intron variant.
Genome position (GRCh38, 1-based): chr4:186,617,700, T>C on the plus strand (A>G on the coding strand, the complement: FAT1 is on the minus strand). VCF-style: chr4-186617700-T-C. GRCh37 (hg19) VCF-style: chr4-187538854-T-C.
Identifiers: ClinVar variation 3036329 (VCV003036329.3), dbSNP rs1197553179, ClinGen allele CA557396434.

ClinVar aggregate classification (germline): Likely benign. Review status: criteria provided, single submitter (1 of 4 stars). 2 submissions from 2 submitters: Likely benign (1). 1 of the submissions does not count toward it. Last evaluated 2025-03-06.

Conditions:
FAT1-related disorder. Also called: FAT1-related condition.

Allele frequency attached by ClinVar (database versions not stated): gnomAD 0.00001; gnomAD exomes 0.00002.
gnomAD v4.1: 27 of 1,540,434 alleles (0.0018%); highest among the groups gnomAD compares: Non-Finnish European, 0.0023%; no homozygotes.

Submissions (2):

Labcorp Genetics (formerly Invitae), Labcorp
Classification: Likely benign. Last evaluated: 2025-03-06. Review status: criteria provided, single submitter. Criteria: Invitae Variant Classification Sherloc (09022015). Collection method: clinical testing. Allele origin: germline.

PreventionGenetics, part of Exact Sciences
Classification: Likely benign for FAT1-related condition. Last evaluated: 2020-07-02. Review status: no assertion criteria provided. Collection method: clinical testing. Allele origin: germline. Not counted in ClinVar's aggregate classification.
Comment: This variant is classified as likely benign based on ACMG/AMP sequence variant interpretation guidelines (Richards et al. 2015 PMID: 25741868, with internal and published modifications).